The following is an entry in ClinVar:

NM_000632.4(ITGAM):c.134G>A (p.Arg45Lys)

Gene: ITGAM (integrin subunit alpha M; plus strand). Cytogenetic location: 16p11.2.
Variant type: single nucleotide variant.
Coding change: c.134G>A on transcript NM_000632.4 (MANE Select); coding-DNA position 134, G replaced by A.
Protein change: p.Arg45Lys; replaces arginine 45 with lysine.
Molecular consequence: missense variant.
Genome position (GRCh38, 1-based): chr16:31,261,797, G>A. VCF-style: chr16-31261797-G-A. GRCh37 (hg19) VCF-style: chr16-31273118-G-A.
Other names: c.134G>A, p.Arg45Lys (NM_001145808.2); short protein forms R45K.
Identifiers: ClinVar variation 2901249 (VCV002901249.3), dbSNP rs201390994, ClinGen allele CA8025111.

ClinVar aggregate classification (germline): Uncertain significance (1 of 4 stars; one submission).

Allele frequency attached by ClinVar (database versions not stated): gnomAD exomes below 0.00001; ExAC 0.00001; TOPMed 0.00002; gnomAD 0.00001.
gnomAD v4.1: 5 of 1,604,018 alleles (0.00031%); highest among the groups gnomAD compares: Non-Finnish European, 0.00043%; no homozygotes.

Submission:

Labcorp Genetics (formerly Invitae), Labcorp
Classification: Uncertain significance. Last evaluated: 2025-06-22. Review status: criteria provided, single submitter. Criteria: Invitae Variant Classification Sherloc (09022015). Collection method: clinical testing. Allele origin: germline.
Comment: This sequence change replaces arginine, which is basic and polar, with lysine, which is basic and polar, at codon 45 of the ITGAM protein (p.Arg45Lys). This variant also falls at the last nucleotide of exon 2, which is part of the consensus splice site for this exon. This variant is present in population databases (rs201390994, gnomAD 0.0009%). This variant has not been reported in the literature in individuals affected with ITGAM-related conditions. ClinVar contains an entry for this variant (Variation ID: 2901249). An algorithm developed to predict the effect of missense changes on protein structure and function (PolyPhen-2) suggests that this variant is likely to be disruptive. Variants that disrupt the consensus splice site are a relatively common cause of aberrant splicing (PMID: 17576681, 9536098). Algorithms developed to predict the effect of sequence changes on RNA splicing suggest that this variant may disrupt the consensus splice site. In summary, the available evidence is currently insufficient to determine the role of this variant in disease. Therefore, it has been classified as a Variant of Uncertain Significance.

Literature cited by the submitters: PubMed 17576681; PubMed 9536098.